The following is an entry in ClinVar:

ClinVar aggregate classification (germline): Likely benign (1 of 4 stars; one submission).

Submission:

CeGaT Center for Human Genetics Tuebingen
Classification: Likely benign. Last evaluated: 2026-05-01. Review status: criteria provided, single submitter. Criteria: CeGaT Center For Human Genetics Tuebingen Variant Classification Criteria Version 2. Collection method: clinical testing. Allele origin: germline. Affected: yes. Observed: 1 variant allele.
Comment: SLC6A8: PM2:Supporting, BP4, BP7

NM_005629.4(SLC6A8):c.66C>A (p.Leu22=)

Gene: SLC6A8 (solute carrier family 6 member 8; plus strand). Cytogenetic location: Xq28.
Variant type: single nucleotide variant.
Coding change: c.66C>A on transcript NM_005629.4 (MANE Select); coding-DNA position 66, C replaced by A.
Protein change: p.Leu22=; no amino-acid change (leucine 22 retained).
Molecular consequence: synonymous variant.
Genome position (GRCh38, 1-based): chrX:153,688,640, C>A. VCF-style: chrX-153688640-C-A. GRCh37 (hg19) VCF-style: chrX-152954095-C-A.
Other names: c.66C>A, p.Leu22= (NM_001142805.2).
Identifiers: ClinVar variation 4873352 (VCV004873352.2).